The following is an entry in ClinVar:

ClinVar aggregate classification (germline): Uncertain significance (1 of 4 stars; one submission).

Conditions:
Familial cancer of breast. Also called: BREAST CANCER, FAMILIAL; Hereditary breast cancer; hereditary breast carcinoma. Identifiers: Orphanet 227535, MedGen C0346153, MONDO:0016419, OMIM 114480. Disease mechanism: loss of function.

Submission:

Labcorp Genetics (formerly Invitae), Labcorp
Classification: Uncertain significance for Familial cancer of breast. Last evaluated: 2020-01-21. Review status: criteria provided, single submitter. Criteria: Invitae Variant Classification Sherloc (09022015). Collection method: clinical testing. Allele origin: germline.
Comment: This sequence change replaces glycine with valine at codon 1135 of the PALB2 protein (p.Gly1135Val). The glycine residue is highly conserved and there is a moderate physicochemical difference between glycine and valine. This variant is not present in population databases (ExAC no frequency). This variant has not been reported in the literature in individuals with PALB2-related conditions. Algorithms developed to predict the effect of missense changes on protein structure and function (SIFT, PolyPhen-2, Align-GVGD) all suggest that this variant is likely to be disruptive, but these predictions have not been confirmed by published functional studies and their clinical significance is uncertain. In summary, the available evidence is currently insufficient to determine the role of this variant in disease. Therefore, it has been classified as a Variant of Uncertain Significance.

NM_024675.4(PALB2):c.3404G>T (p.Gly1135Val)

Gene: PALB2 (partner and localizer of BRCA2; minus strand). Cytogenetic location: 16p12.2.
Variant type: single nucleotide variant.
Coding change: c.3404G>T on transcript NM_024675.4 (MANE Select); coding-DNA position 3404, G replaced by T.
Protein change: p.Gly1135Val; replaces glycine 1135 with valine.
Molecular consequence: missense variant.
Genome position (GRCh38, 1-based): chr16:23,603,616, C>A on the plus strand (G>T on the coding strand, the complement: PALB2 is on the minus strand). VCF-style: chr16-23603616-C-A. GRCh37 (hg19) VCF-style: chr16-23614937-C-A.
Other names: short protein forms G1135V.
Identifiers: ClinVar variation 1007382 (VCV001007382.10), dbSNP rs730881894, ClinGen allele CA395138239.